The following is an entry in ClinVar:

NM_019098.5(CNGB3):c.990+1G>A

Gene: CNGB3 (cyclic nucleotide gated channel subunit beta 3; minus strand). Cytogenetic location: 8q21.3.
Variant type: single nucleotide variant.
Coding change: c.990+1G>A on transcript NM_019098.5 (MANE Select); the canonical splice donor site of the intron after coding-DNA position 990, G replaced by A.
Molecular consequence: splice donor variant.
Genome position (GRCh38, 1-based): chr8:86,647,800, C>T on the plus strand (G>A on the coding strand, the complement: CNGB3 is on the minus strand). VCF-style: chr8-86647800-C-T. GRCh37 (hg19) VCF-style: chr8-87660028-C-T.
Identifiers: ClinVar variation 4292426 (VCV004292426.2).

ClinVar aggregate classification (germline): Pathogenic/Likely pathogenic. Review status: criteria provided, multiple submitters, no conflicts (2 of 4 stars). 2 submissions from 2 submitters: Pathogenic (1); Likely pathogenic (1). Last evaluated 2025-02-20.

Conditions:
Achromatopsia 3 (ACHM3). Also called: ACHROMATOPSIA WITH MYOPIA; PINGELAPESE BLINDNESS; TOTAL COLORBLINDNESS WITH MYOPIA; ROD MONOCHROMACY 1; ROD MONOCHROMATISM 1. Identifiers: Orphanet 49382, MedGen C1849792, MONDO:0009875, OMIM 262300.
CNGB3-related disorder. Also called: CNGB3-related condition; CNGB3-related disorders. Identifiers: MedGen CN239340.

Submissions (2):

3billion
Classification: Pathogenic for Achromatopsia 3. Last evaluated: 2025-02-20. Review status: criteria provided, single submitter. Criteria: ACMG Guidelines, 2015. Collection method: clinical testing. Allele origin: germline. Affected: yes.
Comment: The variant is not observed in the gnomAD v4.1.0 dataset. Predicted Consequence/Location: Canonical splice site: predicted to alter splicing and result in a loss or disruption of normal protein function. Multiple pathogenic loss-of-function variants are reported downstream of the variant. In silico tools predict the variant to alter splicing and produce an abnormal transcript [SpliceAI: 0.82 (spliceogenicity >=0.2, non-spliceogenicity <0.1)]. Therefore, this variant is classified as Pathogenic according to the recommendation of ACMG/AMP guideline.

Blueprint Genetics
Classification: Likely pathogenic for CNGB3-related disorders. Last evaluated: 2020-11-17. Review status: criteria provided, single submitter. Criteria: ACMG Guidelines, 2015. Collection method: clinical testing. Allele origin: germline. Affected: yes. Observed: 1 variant allele.